The following is an entry in ClinVar:

ClinVar aggregate classification (germline): Conflicting classifications of pathogenicity. Review status: criteria provided, conflicting classifications (1 of 4 stars). 5 submissions from 5 submitters: Uncertain significance (1); Likely benign (3). 1 of the submissions does not count toward it. Last evaluated 2026-05-01.

Conditions:
Neuromuscular disease caused by qualitative or quantitative defects of dysferlin. Also called: Dysferlinopathy; Qualitative or quantitative defects of dysferlin. Identifiers: Orphanet 207073, MedGen C2931687, MONDO:0016145.
Autosomal recessive limb-girdle muscular dystrophy type 2B (LGMDR2). Also called: MUSCULAR DYSTROPHY, LIMB-GIRDLE, AUTOSOMAL RECESSIVE 2; Limb-girdle muscular dystrophy, type 2B; Limb-Girdle Muscular Dystrophy Type 2B (LGMD2B); MUSCULAR DYSTROPHY, LIMB-GIRDLE, TYPE 3. Identifiers: Orphanet 268, MedGen C1850889, MONDO:0009676, OMIM 253601.

Allele frequency attached by ClinVar (database versions not stated): gnomAD exomes 0.00003 and 0.00005; ExAC 0.00008; 1000 Genomes Project 30x 0.00016; 1000 Genomes Project 0.00020; TOPMed 0.00025; gnomAD 0.00026; ESP Exome Variant Server 0.00031.
gnomAD v4.1: 80 of 1,614,092 alleles (0.005%); highest among the groups gnomAD compares: African/African-American, 0.081%; no homozygotes.

Submissions (5):

CeGaT Center for Human Genetics Tuebingen
Classification: Likely benign. Last evaluated: 2026-05-01. Review status: criteria provided, single submitter. Criteria: CeGaT Center For Human Genetics Tuebingen Variant Classification Criteria Version 2. Collection method: clinical testing. Allele origin: germline. Affected: yes. Observed: 1 variant allele.
Comment: DYSF: BP4, BP7

Labcorp Genetics (formerly Invitae), Labcorp
Classification: Likely benign for Neuromuscular disease caused by qualitative or quantitative defects of dysferlin. Last evaluated: 2025-12-24. Review status: criteria provided, single submitter. Criteria: Invitae Variant Classification Sherloc (09022015). Collection method: clinical testing. Allele origin: germline.

Eurofins Ntd Llc (ga)
Classification: Uncertain significance. Last evaluated: 2018-03-15. Review status: criteria provided, single submitter. Criteria: EGL ClinVar v180209 classification definitions. Collection method: clinical testing. Allele origin: germline. Observed: 6 variant alleles, 6 heterozygotes.

Athena Diagnostics
Classification: Likely benign. Last evaluated: 2017-06-16. Review status: criteria provided, single submitter. Criteria: Athena Diagnostics Criteria. Collection method: clinical testing. Allele origin: germline.

Natera, Inc.
Classification: Likely benign for Limb-girdle muscular dystrophy type 2B. Last evaluated: 2020-09-16. Review status: no assertion criteria provided. Collection method: clinical testing. Allele origin: germline. Not counted in ClinVar's aggregate classification.

NM_001130987.2(DYSF):c.1407G>A (p.Thr469=)

Gene: DYSF (dysferlin; plus strand). Cytogenetic location: 2p13.2.
Variant type: single nucleotide variant.
Coding change: c.1407G>A on transcript NM_001130987.2 (MANE Select); coding-DNA position 1407, G replaced by A.
Protein change: p.Thr469=; no amino-acid change (threonine 469 retained).
Molecular consequence: synonymous variant.
Genome position (GRCh38, 1-based): chr2:71,535,047, G>A. VCF-style: chr2-71535047-G-A. GRCh37 (hg19) VCF-style: chr2-71762177-G-A.
Other names: c.1314G>A, p.Thr438= (NM_001130455.2, NM_001130983.2, NM_001130984.2 and 1 more transcripts); c.1311G>A, p.Thr437= (NM_001130976.2, NM_001130977.2, NM_001130978.2 and 1 more transcripts); c.1404G>A, p.Thr468= (NM_001130979.2, NM_001130980.2, NM_001130981.2); c.1407G>A, p.Thr469= (NM_001130982.2, NM_001130985.2).
Identifiers: ClinVar variation 285063 (VCV000285063.18), dbSNP rs150093305, ClinGen allele CA1705732.